The following is an entry in ClinVar:

NM_021926.4(ALX4):c.1089C>A (p.His363Gln)

Gene: ALX4 (ALX homeobox 4; minus strand). Cytogenetic location: 11p11.2.
Variant type: single nucleotide variant.
Coding change: c.1089C>A on transcript NM_021926.4 (MANE Select); coding-DNA position 1089, C replaced by A.
Protein change: p.His363Gln; replaces histidine 363 with glutamine.
Molecular consequence: missense variant.
Genome position (GRCh38, 1-based): chr11:44,265,001, G>T on the plus strand (C>A on the coding strand, the complement: ALX4 is on the minus strand). VCF-style: chr11-44265001-G-T. GRCh37 (hg19) VCF-style: chr11-44286551-G-T.
Other names: short protein forms H363Q.
Identifiers: ClinVar variation 3364847 (VCV003364847.1).
Genomic context (GRCh38, chr11:44,265,001, plus strand): 5'-GTTGAGCTCGTAGCCATTGAGGCCTGGGCTGAGGCTGGCTGCTCCAAACAGGCTGCCCAT[G>T]TGCGTCTGGCCCACGTGACTGCCAGCCCCAGACACACTCAGGAAGTCGGTGACGCTGCTG-3'
Protein context (NP_068745.2, residues 353-373): SGAGSHVGQT[His363Gln]MGSLFGAASL

ClinVar aggregate classification (germline): Uncertain significance (1 of 4 stars; one submission).

gnomAD v4.1: 4 of 1,613,000 alleles (0.00025%); highest among the groups gnomAD compares: Admixed American, 0.005%; no homozygotes.

Submission:

GeneDx
Classification: Uncertain significance. Last evaluated: 2024-04-17. Review status: criteria provided, single submitter. Criteria: GeneDx Variant Classification Process June 2021. Collection method: clinical testing. Allele origin: germline. Affected: yes.
Comment: Not observed at significant frequency in large population cohorts (gnomAD); In silico analysis indicates that this missense variant does not alter protein structure/function; Has not been previously published as pathogenic or benign to our knowledge